The following is an entry in ClinVar:

NM_016580.4(PCDH12):c.1253T>C (p.Leu418Pro)

Genes: PCDH12 (protocadherin 12; minus strand), RNF14 (ring finger protein 14; plus strand). Cytogenetic location: 5q31.3.
Variant type: single nucleotide variant.
Coding change: c.1253T>C on transcript NM_016580.4 (MANE Select); coding-DNA position 1253, T replaced by C.
Protein change: p.Leu418Pro; replaces leucine 418 with proline.
Molecular consequence: missense variant.
Genome position (GRCh38, 1-based): chr5:141,956,599, A>G on the plus strand (T>C on the coding strand, the complement: PCDH12 is on the minus strand). VCF-style: chr5-141956599-A-G. GRCh37 (hg19) VCF-style: chr5-141336164-A-G.
Other names: short protein forms L418P.
Identifiers: ClinVar variation 1346767 (VCV001346767.8), dbSNP rs753427845, ClinGen allele CA3484433.

ClinVar aggregate classification (germline): Uncertain significance (1 of 4 stars; one submission).

Allele frequency attached by ClinVar (database versions not stated): TOPMed below 0.00001; gnomAD exomes 0.00001 and 0.00002; ExAC 0.00003.
gnomAD v4.1: 16 of 1,614,194 alleles (0.00099%); highest among the groups gnomAD compares: Non-Finnish European, 0.0014%; no homozygotes.

Submission:

Labcorp Genetics (formerly Invitae), Labcorp
Classification: Uncertain significance. Last evaluated: 2025-02-25. Review status: criteria provided, single submitter. Criteria: Invitae Variant Classification Sherloc (09022015). Collection method: clinical testing. Allele origin: germline.
Comment: This sequence change replaces leucine, which is neutral and non-polar, with proline, which is neutral and non-polar, at codon 418 of the PCDH12 protein (p.Leu418Pro). This variant is present in population databases (rs753427845, gnomAD 0.004%). This variant has not been reported in the literature in individuals affected with PCDH12-related conditions. ClinVar contains an entry for this variant (Variation ID: 1346767). Invitae Evidence Modeling of protein sequence and biophysical properties (such as structural, functional, and spatial information, amino acid conservation, physicochemical variation, residue mobility, and thermodynamic stability) indicates that this missense variant is expected to disrupt PCDH12 protein function with a positive predictive value of 95%. In summary, the available evidence is currently insufficient to determine the role of this variant in disease. Therefore, it has been classified as a Variant of Uncertain Significance.